The following is an entry in ClinVar:

ClinVar aggregate classification (germline): Uncertain significance (1 of 4 stars; one submission).

Submission:

GeneDx
Classification: Uncertain significance. Last evaluated: 2022-03-16. Review status: criteria provided, single submitter. Criteria: GeneDx Variant Classification Process June 2021. Collection method: clinical testing. Allele origin: germline. Affected: yes.
Comment: Not observed at significant frequency in large population cohorts (gnomAD); In silico analysis supports that this missense variant has a deleterious effect on protein structure/function; Has not been previously published as pathogenic or benign to our knowledge

NM_001001331.4(ATP2B2):c.2896A>T (p.Ile966Phe)

Gene: ATP2B2 (ATPase plasma membrane Ca2+ transporting 2; minus strand). Cytogenetic location: 3p25.3.
Variant type: single nucleotide variant.
Coding change: c.2896A>T on transcript NM_001001331.4 (MANE Select); coding-DNA position 2896, A replaced by T.
Protein change: p.Ile966Phe; replaces isoleucine 966 with phenylalanine.
Molecular consequence: missense variant.
Genome position (GRCh38, 1-based): chr3:10,342,773, T>A on the plus strand (A>T on the coding strand, the complement: ATP2B2 is on the minus strand). VCF-style: chr3-10342773-T-A. GRCh37 (hg19) VCF-style: chr3-10384457-T-A.
Other names: c.2761A>T, p.Ile921Phe (NM_001330611.3, NM_001353564.1, NM_001363862.1 and 1 more transcripts); short protein forms I921F, I966F.
Identifiers: ClinVar variation 1706289 (VCV001706289.2), dbSNP rs2470146159, ClinGen allele CA351776964.